The following is an entry in ClinVar:

ClinVar aggregate classification (germline): Uncertain significance (1 of 4 stars; one submission).

gnomAD v4.1: 3 of 1,612,546 alleles (0.00019%); highest among the groups gnomAD compares: Non-Finnish European, 0.00017%; no homozygotes.

Submission:

CeGaT Center for Human Genetics Tuebingen
Classification: Uncertain significance. Last evaluated: 2026-01-01. Review status: criteria provided, single submitter. Criteria: CeGaT Center For Human Genetics Tuebingen Variant Classification Criteria Version 2. Collection method: clinical testing. Allele origin: germline. Affected: yes. Observed: 1 variant allele.
Comment: EED: PM2, PP2

NM_003797.5(EED):c.493G>A (p.Val165Ile)

Gene: EED (embryonic ectoderm development; plus strand). Cytogenetic location: 11q14.2.
Variant type: single nucleotide variant.
Coding change: c.493G>A on transcript NM_003797.5 (MANE Select); coding-DNA position 493, G replaced by A.
Protein change: p.Val165Ile; replaces valine 165 with isoleucine.
Molecular consequence: missense variant. On other transcripts: intron variant (1).
Genome position (GRCh38, 1-based): chr11:86,256,453, G>A. VCF-style: chr11-86256453-G-A. GRCh37 (hg19) VCF-style: chr11-85967495-G-A.
Other names: c.493G>A, p.Val165Ile (NM_001308007.2, NM_001330334.2, NM_001440586.1 and 7 more transcripts); c.400G>A, p.Val134Ile (NM_001440587.1, NM_001440594.1, NM_001440600.1 and 1 more transcripts); c.427G>A, p.Val143Ile (NM_001440591.1); c.247G>A, p.Val83Ile (NM_001440598.1, NM_001440601.1); c.361-1062G>A (NM_001440599.1); short protein forms V165I, V83I, V134I, V143I.
Identifiers: ClinVar variation 4820907 (VCV004820907.4).